The following is an entry in ClinVar:

ClinVar aggregate classification (germline): Conflicting classifications of pathogenicity. Review status: criteria provided, conflicting classifications (1 of 4 stars). 6 submissions from 4 submitters: Uncertain significance (1); Benign (2); Likely benign (3). Last evaluated 2025-12-29.

Conditions:
Distal spinal muscular atrophy. Also called: Distal hereditary motor neuropathy; Distal hereditary motor neuronopathy. Identifiers: Orphanet 53739, MedGen C0393541, MONDO:0018894.
Charcot-Marie-Tooth disease type 2. Also called: Charcot-Marie-Tooth type 2. Identifiers: Orphanet 64746, MedGen C0270914, MONDO:0018993.
Charcot-Marie-Tooth disease type 2D (CMT2D). Also called: Charcot-Marie-Tooth Neuropathy Type 2D; GARS1 Adolescent- or Early Adult-Onset Hereditary Motor/Sensory Neuropathy (GARS1-HMSN); CHARCOT-MARIE-TOOTH DISEASE, AXONAL, TYPE 2D; CHARCOT-MARIE-TOOTH DISEASE, NEURONAL, TYPE 2D. Identifiers: Orphanet 99938, MedGen C1832274, MONDO:0011091, OMIM 601472.
Neuronopathy, distal hereditary motor, type 5A (HMND5). Also called: Distal Spinal Muscular Atrophy V; Distal Spinal Muscular Atrophy V (dSMA-V); NEURONOPATHY, DISTAL HEREDITARY MOTOR, AUTOSOMAL DOMINANT 5; DHMN VA. Identifiers: Orphanet 139536, MedGen CN031873, MONDO:0015353, OMIM 600794.

Allele frequency attached by ClinVar (database versions not stated): gnomAD 0.00008 and 0.00010; TOPMed 0.00008; gnomAD exomes 0.00011 and 0.00022; ExAC 0.00024; 1000 Genomes Project 30x 0.00031; 1000 Genomes Project 0.00040.
gnomAD v4.1: 174 of 1,608,524 alleles (0.011%); highest among the groups gnomAD compares: South Asian, 0.081%; 2 homozygotes.

Submissions (6):

Labcorp Genetics (formerly Invitae), Labcorp
Classification: Likely benign for Charcot-Marie-Tooth disease type 2. Last evaluated: 2025-12-29. Review status: criteria provided, single submitter. Criteria: Invitae Variant Classification Sherloc (09022015). Collection method: clinical testing. Allele origin: germline.

ARUP Laboratories, Molecular Genetics and Genomics, ARUP Laboratories
Classification: Likely benign. Last evaluated: 2023-12-14. Review status: criteria provided, single submitter. Criteria: ARUP Molecular Germline Variant Investigation Process 2024. Collection method: clinical testing. Allele origin: germline.

Illumina Laboratory Services, Illumina
Classification: Benign for Distal hereditary motor neuronopathy type 5. Last evaluated: 2018-01-13. Review status: criteria provided, single submitter. Criteria: ICSL Variant Classification Criteria 13 December 2019. Collection method: clinical testing. Allele origin: germline.
Comment: This variant was observed in the ICSL laboratory as part of a predisposition screen in an ostensibly healthy population. It had not been previously curated by ICSL or reported in the Human Gene Mutation Database (HGMD: prior to June 1st, 2018), and was therefore a candidate for classification through an automated scoring system. Utilizing variant allele frequency, disease prevalence and penetrance estimates, and inheritance mode, an automated score was calculated to assess if this variant is too frequent to cause the disease. Based on the score and internal cut-off values, a variant classified as benign is not then subjected to further curation. The score for this variant resulted in a classification of benign for this disease.

Illumina Laboratory Services, Illumina
Classification: Likely benign for Charcot-Marie-Tooth disease type 2D. Last evaluated: 2018-01-13. Review status: criteria provided, single submitter. Criteria: ICSL Variant Classification Criteria 13 December 2019. Collection method: clinical testing. Allele origin: germline.
Comment: This variant was observed in the ICSL laboratory as part of a predisposition screen in an ostensibly healthy population. It had not been previously curated by ICSL or reported in the Human Gene Mutation Database (HGMD: prior to June 1st, 2018), and was therefore a candidate for classification through an automated scoring system. Utilizing variant allele frequency, disease prevalence and penetrance estimates, and inheritance mode, an automated score was calculated to assess if this variant is too frequent to cause the disease. Based on the score and internal cut-off values, a variant classified as likely benign is not then subjected to further curation. The score for this variant resulted in a classification of likely benign for this disease.

Illumina Laboratory Services, Illumina
Classification: Benign for Distal Spinal Muscular Atrophy. Last evaluated: 2018-01-13. Review status: criteria provided, single submitter. Criteria: ICSL Variant Classification Criteria 13 December 2019. Collection method: clinical testing. Allele origin: germline.
Comment: the same text as in the submission from Illumina Laboratory Services, Illumina above.

GeneDx
Classification: Uncertain significance. Last evaluated: 2017-01-16. Review status: criteria provided, single submitter. Criteria: GeneDx Variant Classification (06012015). Collection method: clinical testing. Allele origin: germline. Affected: yes.
Comment: The c.882-15 T>G variant has not been published as a pathogenic variant, nor has it been reported as a benign variant to our knowledge. The c.882-15 T>G variant was not observed in approximately 6500 individuals of European and African American ancestry in the NHLBI Exome Sequencing Project. The Exome Aggregation Consortium (ExAC) database reports c.882-15 T>G was observed in 15/16492 alleles from individuals of South Asian background. This substitution occurs at a position that is not conserved. Several in-silico splice prediction models predict that c.882-15 T>G creates a cryptic acceptor site which may supplant the natural acceptor site and lead to abnormal gene splicing. However, in the absence of RNA/functional studies, the actual effect of this sequence change in this individual is unknown. In summary, based on the currently available information, it is unclear whether this variant is a pathogenic variant or a rare benign variant.

NM_002047.4(GARS1):c.882-15T>G

Gene: GARS1 (glycyl-tRNA synthetase 1; plus strand). Cytogenetic location: 7p14.3.
Variant type: single nucleotide variant.
Coding change: c.882-15T>G on transcript NM_002047.4 (MANE Select); 15 bases into the intron before coding-DNA position 882, T replaced by G.
Molecular consequence: intron variant.
Genome position (GRCh38, 1-based): chr7:30,612,081, T>G. VCF-style: chr7-30612081-T-G. GRCh37 (hg19) VCF-style: chr7-30651697-T-G.
Other names: c.882-15T>G (LRG_243t1); c.720-15T>G (NM_001316772.1).
Identifiers: ClinVar variation 360008 (VCV000360008.14), dbSNP rs199741850, ClinGen allele CA4205851.